The following is an entry in ClinVar:

NM_001145026.2(PTPRQ):c.3406A>G (p.Thr1136Ala)

Gene: PTPRQ (protein tyrosine phosphatase receptor type Q; plus strand). Cytogenetic location: 12q21.31.
Variant type: single nucleotide variant.
Coding change: c.3406A>G on transcript NM_001145026.2 (MANE Select); coding-DNA position 3406, A replaced by G.
Protein change: p.Thr1136Ala; replaces threonine 1136 with alanine.
Molecular consequence: missense variant.
Genome position (GRCh38, 1-based): chr12:80,541,806, A>G. VCF-style: chr12-80541806-A-G. GRCh37 (hg19) VCF-style: chr12-80935585-A-G.
Other names: short protein forms T1136A.
Identifiers: ClinVar variation 4975349 (VCV004975349.1).

ClinVar aggregate classification (germline): Uncertain significance (1 of 4 stars; one submission).

gnomAD v4.1: 1 of 1,550,246 alleles (0.000065%); highest among the groups gnomAD compares: Non-Finnish European, 0.000087%; no homozygotes.

Submission:

GeneDx
Classification: Uncertain significance. Last evaluated: 2026-03-06. Review status: criteria provided, single submitter. Criteria: GeneDx Variant Classification Process June 2021. Collection method: clinical testing. Allele origin: germline.
Comment: Not observed at significant frequency in large population cohorts (gnomAD); In silico analysis suggests that this missense variant does not alter protein structure/function; Has not been previously published as pathogenic or benign to our knowledge